The following is an entry in ClinVar:

ClinVar aggregate classification (germline): Uncertain significance (1 of 4 stars; one submission).

Conditions:
EGFR-related lung cancer (EGFR). Identifiers: MedGen CN130014.

Submission:

Labcorp Genetics (formerly Invitae), Labcorp
Classification: Uncertain significance for EGFR-related lung cancer. Last evaluated: 2024-12-08. Review status: criteria provided, single submitter. Criteria: Invitae Variant Classification Sherloc (09022015). Collection method: clinical testing. Allele origin: germline.
Comment: This sequence change replaces lysine, which is basic and polar, with arginine, which is basic and polar, at codon 80 of the EGFR protein (p.Lys80Arg). This variant is not present in population databases (gnomAD no frequency). This variant has not been reported in the literature in individuals affected with EGFR-related conditions. ClinVar contains an entry for this variant (Variation ID: 1461274). An algorithm developed to predict the effect of missense changes on protein structure and function (PolyPhen-2) suggests that this variant is likely to be tolerated. Algorithms developed to predict the effect of sequence changes on RNA splicing suggest that this variant may disrupt the consensus splice site. In summary, the available evidence is currently insufficient to determine the role of this variant in disease. Therefore, it has been classified as a Variant of Uncertain Significance.

NM_005228.5(EGFR):c.239A>G (p.Lys80Arg)

Gene: EGFR (epidermal growth factor receptor; plus strand). Cytogenetic location: 7p11.2.
Variant type: single nucleotide variant.
Coding change: c.239A>G on transcript NM_005228.5 (MANE Select); coding-DNA position 239, A replaced by G.
Protein change: p.Lys80Arg; replaces lysine 80 with arginine.
Molecular consequence: missense variant. On other transcripts: intron variant (1).
Genome position (GRCh38, 1-based): chr7:55,142,436, A>G. VCF-style: chr7-55142436-A-G. GRCh37 (hg19) VCF-style: chr7-55210129-A-G.
Other names: c.239A>G, p.Lys80Arg (NM_001346897.2, NM_001346898.2, NM_001346899.2 and 3 more transcripts); c.80A>G, p.Lys27Arg (NM_001346900.2); c.89-13394A>G (NM_001346941.2); short protein forms K27R, K80R.
Identifiers: ClinVar variation 1461274 (VCV001461274.8), dbSNP rs2128926455, ClinGen allele CA367575082.